The following is an entry in ClinVar:

ClinVar aggregate classification (germline): Benign/Likely benign. Review status: criteria provided, multiple submitters, no conflicts (2 of 4 stars). 5 submissions from 5 submitters: Benign (2); Likely benign (2). 1 of the submissions does not count toward it. Last evaluated 2026-01-30.

Conditions:
C6-related disorder. Also called: C6-related condition.

Allele frequency attached by ClinVar (database versions not stated): ESP Exome Variant Server 0.00369; TOPMed 0.00438; 1000 Genomes Project 0.00519; 1000 Genomes Project 30x 0.00625.
gnomAD v4.1: 1,058 of 1,614,080 alleles (0.066%); highest among the groups gnomAD compares: African/African-American, 1.3%; 10 homozygotes.

Submissions (5):

Women's Health and Genetics/Laboratory Corporation of America, LabCorp
Classification: Likely benign. Last evaluated: 2026-01-30. Review status: criteria provided, single submitter. Criteria: LabCorp Variant Classification Summary - May 2015. Collection method: clinical testing. Allele origin: germline.
Comment: Variant summary: C6 c.11G>T (p.Arg4Leu) results in a non-conservative amino acid change in the encoded protein sequence. Algorithms developed to predict the effect of missense changes on protein structure and function are either unavailable or do not agree on the potential impact of this missense change. The variant allele was found at a frequency of 0.00088 in 250950 control chromosomes, predominantly at a frequency of 0.013 within the African or African-American subpopulation in the gnomAD database, including 2 homozygotes. The observed variant frequency within African or African-American control individuals in the gnomAD database exceeds the estimated maximal expected allele frequency for disease-causing variants in C6. To our knowledge, no occurrence of c.11G>T in individuals affected with C6-related conditions and no experimental evidence demonstrating its impact on protein function have been reported. ClinVar contains an entry for this variant (Variation ID: 776043). Based on the evidence outlined above, the variant was classified as likely benign.

Labcorp Genetics (formerly Invitae), Labcorp
Classification: Benign. Last evaluated: 2026-01-19. Review status: criteria provided, single submitter. Criteria: Invitae Variant Classification Sherloc (09022015). Collection method: clinical testing. Allele origin: germline.

Blueprint Genetics
Classification: Likely benign. Last evaluated: 2024-06-19. Review status: criteria provided, single submitter. Criteria: ACMG Guidelines, 2015. Collection method: clinical testing. Allele origin: germline.

Breakthrough Genomics
Classification: Benign. Review status: criteria provided, single submitter. Criteria: ACMG Guidelines, 2015. Collection method: not provided. Allele origin: germline. Inheritance: Autosomal recessive inheritance. Affected: yes.

PreventionGenetics, part of Exact Sciences
Classification: Likely benign for C6-related condition. Last evaluated: 2019-12-11. Review status: no assertion criteria provided. Collection method: clinical testing. Allele origin: germline. Not counted in ClinVar's aggregate classification.
Comment: This variant is classified as likely benign based on ACMG/AMP sequence variant interpretation guidelines (Richards et al. 2015 PMID: 25741868, with internal and published modifications).

NM_000065.5(C6):c.11G>T (p.Arg4Leu)

Gene: C6 (complement C6; minus strand). Cytogenetic location: 5p13.1.
Variant type: single nucleotide variant.
Coding change: c.11G>T on transcript NM_000065.5 (MANE Select); coding-DNA position 11, G replaced by T.
Protein change: p.Arg4Leu; replaces arginine 4 with leucine.
Molecular consequence: missense variant.
Genome position (GRCh38, 1-based): chr5:41,203,220, C>A on the plus strand (G>T on the coding strand, the complement: C6 is on the minus strand). VCF-style: chr5-41203220-C-A. GRCh37 (hg19) VCF-style: chr5-41203322-C-A.
Other names: c.11G>T, p.Arg4Leu (NM_001115131.4); short protein forms R4L.
Identifiers: ClinVar variation 776043 (VCV000776043.14), dbSNP rs146127832, ClinGen allele CA3252913.